The following is an entry in ClinVar:

ClinVar aggregate classification (germline): Conflicting classifications of pathogenicity. Review status: criteria provided, conflicting classifications (1 of 4 stars). 4 submissions from 4 submitters: Uncertain significance (2); Likely benign (1). 1 of the submissions does not count toward it. Last evaluated 2024-10-23.

Conditions:
Breast-ovarian cancer, familial, susceptibility to, 1 (BROVCA1). Also called: BRCA1 Hereditary Breast and Ovarian Cancer; OVARIAN CANCER, SUSCEPTIBILITY TO. Identifiers: Orphanet 145, MedGen C2676676, MONDO:0011450, OMIM 604370. Disease mechanism: loss of function.
Hereditary cancer-predisposing syndrome. Also called: Hereditary Cancer Syndrome; Hereditary neoplastic syndrome; Neoplastic Syndromes, Hereditary; Tumor predisposition. Identifiers: Orphanet 140162, MedGen C0027672, MeSH D009386, MONDO:0015356.
Hereditary breast ovarian cancer syndrome. Also called: BRCA1- and BRCA2-Associated Hereditary Breast and Ovarian Cancer; Hereditary breast and ovarian cancer syndrome; Hereditary breast and ovarian cancer syndrome (HBOC); Breast and ovarian cancer; Hereditary breast and/or ovarian cancer syndrome; Hereditary breast and ovarian cancer. Identifiers: Orphanet 145, MedGen C0677776, MeSH D061325, MONDO:0003582. Disease mechanism: loss of function.

Allele frequency attached by ClinVar (database versions not stated): gnomAD exomes below 0.00001.

Submissions (4):

Labcorp Genetics (formerly Invitae), Labcorp
Classification: Uncertain significance for Hereditary breast ovarian cancer syndrome. Last evaluated: 2024-10-23. Review status: criteria provided, single submitter. Criteria: Invitae Variant Classification Sherloc (09022015). Collection method: clinical testing. Allele origin: germline.
Comment: This sequence change replaces histidine, which is basic and polar, with arginine, which is basic and polar, at codon 279 of the BRCA1 protein (p.His279Arg). This variant is not present in population databases (gnomAD no frequency). This variant has not been reported in the literature in individuals affected with BRCA1-related conditions. ClinVar contains an entry for this variant (Variation ID: 55730). Invitae Evidence Modeling of protein sequence and biophysical properties (such as structural, functional, and spatial information, amino acid conservation, physicochemical variation, residue mobility, and thermodynamic stability) indicates that this missense variant is not expected to disrupt BRCA1 protein function with a negative predictive value of 80%. In summary, the available evidence is currently insufficient to determine the role of this variant in disease. Therefore, it has been classified as a Variant of Uncertain Significance.

Ambry Genetics
Classification: Uncertain significance for Hereditary cancer-predisposing syndrome. Last evaluated: 2024-05-19. Review status: criteria provided, single submitter. Criteria: Ambry Variant Classification Scheme 2023. Collection method: clinical testing. Allele origin: germline.
Comment: The p.H279R variant (also known as c.836A>G), located in coding exon 9 of the BRCA1 gene, results from an A to G substitution at nucleotide position 836. The histidine at codon 279 is replaced by arginine, an amino acid with highly similar properties. This amino acid position is not well conserved in available vertebrate species. In addition, the in silico prediction for this alteration is inconclusive. Since supporting evidence is limited at this time, the clinical significance of this alteration remains unclear.

University of Washington Department of Laboratory Medicine, University of Washington
Classification: Likely benign for Hereditary cancer-predisposing syndrome. Last evaluated: 2023-03-23. Review status: criteria provided, single submitter. Criteria: Dines et al. (Genet Med. 2020). Collection method: curation. Allele origin: germline.
Comment: Missense variant in a coldspot region where missense variants are very unlikely to be pathogenic (PMID:31911673).

BRCA1 coldspot (exon 11 using historical exon numbering). Reclassification based on statistical prior probability

Breast Cancer Information Core (BIC) (BRCA1)
Classification: Uncertain significance for Breast-ovarian cancer, familial 1. Review status: no assertion criteria provided. Collection method: clinical testing. Allele origin: germline. Affected: yes. Observed: 1 variant allele. Not counted in ClinVar's aggregate classification.

NM_007294.4(BRCA1):c.836A>G (p.His279Arg)

Gene: BRCA1 (BRCA1 DNA repair associated; minus strand). Cytogenetic location: 17q21.31.
Variant type: single nucleotide variant.
Coding change: c.836A>G on transcript NM_007294.4 (MANE Select); coding-DNA position 836, A replaced by G.
Protein change: p.His279Arg; replaces histidine 279 with arginine.
Molecular consequence: missense variant. On other transcripts: 5 prime UTR variant (2), intron variant (137).
Genome position (GRCh38, 1-based): chr17:43,094,695, T>C on the plus strand (A>G on the coding strand, the complement: BRCA1 is on the minus strand). VCF-style: chr17-43094695-T-C. GRCh37 (hg19) VCF-style: chr17-41246712-T-C.
Other names: c.569A>G, p.His190Arg (NM_001407931.1, NM_001407932.1, NM_001407934.1 and 2 more transcripts); c.572A>G, p.His191Arg (NM_001407933.1, NM_001407935.1, NM_001407920.1 and 9 more transcripts); c.713A>G, p.His238Arg (NM_001407937.1, NM_001407648.1, NM_001407664.1 and 19 more transcripts); c.503A>G, p.His168Arg (NM_001407948.1, NM_001407949.1, NM_001407950.1 and 6 more transcripts); c.500A>G, p.His167Arg (NM_001407954.1, NM_001407955.1, NM_001407956.1 and 1 more transcripts); c.455A>G, p.His152Arg (NM_001407959.1, NM_001407960.1, NM_001407963.1); c.452A>G, p.His151Arg (NM_001407962.1); c.692A>G, p.His231Arg (NM_001407964.1, NM_001407746.1, NM_001407747.1 and 20 more transcripts); and 40 more; short protein forms H279R, H232R, H151R, H167R, H212R, H231R, H238R, H252R.
Identifiers: ClinVar variation 55730 (VCV000055730.15), dbSNP rs80357482, ClinGen allele CA003930.